The following is an entry in ClinVar:

ClinVar aggregate classification (germline): Uncertain significance (1 of 4 stars; one submission).

Allele frequency attached by ClinVar (database versions not stated): gnomAD exomes 0.00001; gnomAD 0.00002.
gnomAD v4.1: 10 of 1,601,600 alleles (0.00062%); highest among the groups gnomAD compares: East Asian, 0.0045%; no homozygotes.

Submission:

Labcorp Genetics (formerly Invitae), Labcorp
Classification: Uncertain significance. Last evaluated: 2024-04-15. Review status: criteria provided, single submitter. Criteria: Invitae Variant Classification Sherloc (09022015). Collection method: clinical testing. Allele origin: germline.
Comment: This sequence change replaces serine, which is neutral and polar, with phenylalanine, which is neutral and non-polar, at codon 1308 of the VCAN protein (p.Ser1308Phe). The frequency data for this variant in the population databases is considered unreliable, as metrics indicate poor data quality at this position in the gnomAD database. This variant has not been reported in the literature in individuals affected with VCAN-related conditions. ClinVar contains an entry for this variant (Variation ID: 1933269). An algorithm developed to predict the effect of missense changes on protein structure and function (PolyPhen-2) suggests that this variant is likely to be disruptive. In summary, the available evidence is currently insufficient to determine the role of this variant in disease. Therefore, it has been classified as a Variant of Uncertain Significance.

NM_004385.5(VCAN):c.3923C>T (p.Ser1308Phe)

Gene: VCAN (versican; plus strand). Cytogenetic location: 5q14.3.
Variant type: single nucleotide variant.
Coding change: c.3923C>T on transcript NM_004385.5 (MANE Select); coding-DNA position 3923, C replaced by T.
Protein change: p.Ser1308Phe; replaces serine 1308 with phenylalanine.
Molecular consequence: missense variant. On other transcripts: intron variant (2).
Genome position (GRCh38, 1-based): chr5:83,522,229, C>T. VCF-style: chr5-83522229-C-T. GRCh37 (hg19) VCF-style: chr5-82818048-C-T.
Other names: c.3923C>T, p.Ser1308Phe (NM_001164098.2); c.1042+9833C>T (NM_001164097.2, NM_001126336.3); short protein forms S1308F.
Identifiers: ClinVar variation 1933269 (VCV001933269.5), dbSNP rs1443911354, ClinGen allele CA360307102.